The following is an entry in ClinVar:

NM_014915.3(ANKRD26):c.3910A>T (p.Thr1304Ser)

Gene: ANKRD26 (ankyrin repeat domain containing 26; minus strand). Cytogenetic location: 10p12.1.
Variant type: single nucleotide variant.
Coding change: c.3910A>T on transcript NM_014915.3 (MANE Select); coding-DNA position 3910, A replaced by T.
Protein change: p.Thr1304Ser; replaces threonine 1304 with serine.
Molecular consequence: missense variant.
Genome position (GRCh38, 1-based): chr10:27,028,914, T>A on the plus strand (A>T on the coding strand, the complement: ANKRD26 is on the minus strand). VCF-style: chr10-27028914-T-A. GRCh37 (hg19) VCF-style: chr10-27317843-T-A.
Other names: c.3907A>T, p.Thr1303Ser (NM_001256053.2); short protein forms T1304S, T1303S.
Identifiers: ClinVar variation 4103712 (VCV004103712.1).
Genomic context (GRCh38, chr10:27,028,914, plus strand): 5'-AATTTGCATTTAACAGGTTTTTCTGAAGCTCCTCAATTTTGTCCATTTGCTTTTTGACTG[T>A]AACTTTTAACTTGGCATTATCTTTTTCAAGCCTGAAATGTATATTTTAAAATAATTATTC-3'
Protein context (NP_055730.2, residues 1294-1314): LEKDNAKLKV[Thr1304Ser]VKKQMDKIEE

ClinVar aggregate classification (germline): Uncertain significance (1 of 4 stars; one submission).

Conditions:
Inborn genetic diseases. Identifiers: MedGen C0950123, MeSH D030342.

gnomAD v4.1: 1 of 1,612,628 alleles (0.000062%); highest among the groups gnomAD compares: Non-Finnish European, 0.000085%; no homozygotes.

Submission:

Ambry Genetics
Classification: Uncertain significance for Inborn genetic diseases. Last evaluated: 2025-07-24. Review status: criteria provided, single submitter. Criteria: Ambry Variant Classification Scheme 2023. Collection method: clinical testing. Allele origin: germline.
Comment: The p.T1304S variant (also known as c.3910A>T), located in coding exon 27 of the ANKRD26 gene, results from an A to T substitution at nucleotide position 3910. The threonine at codon 1304 is replaced by serine, an amino acid with similar properties. This amino acid position is conserved. In addition, this alteration is predicted to be tolerated by in silico analysis. Based on the available evidence, the clinical significance of this variant remains unclear.